The following is an entry in ClinVar:

ClinVar aggregate classification (germline): Uncertain significance. Review status: criteria provided, multiple submitters, no conflicts (2 of 4 stars). 2 submissions from 2 submitters: Uncertain significance (2). Last evaluated 2024-05-01.

Conditions:
Intellectual developmental disorder, autosomal dominant 1. Also called: MBD5 Haploinsufficiency; Intellectual disability, autosomal dominant 1. Identifiers: Orphanet 228402, MedGen C1969562, MONDO:0007974, OMIM 156200.

gnomAD v4.1: 2 of 1,613,866 alleles (0.00012%); highest among the groups gnomAD compares: Non-Finnish European, 0.00017%; no homozygotes.

Submissions (2):

Labcorp Genetics (formerly Invitae), Labcorp
Classification: Uncertain significance for Intellectual developmental disorder, autosomal dominant 1. Last evaluated: 2024-05-01. Review status: criteria provided, single submitter. Criteria: Invitae Variant Classification Sherloc (09022015). Collection method: clinical testing. Allele origin: germline.
Comment: This sequence change replaces cysteine, which is neutral and slightly polar, with arginine, which is basic and polar, at codon 793 of the MBD5 protein (p.Cys793Arg). This variant is not present in population databases (gnomAD no frequency). This variant has not been reported in the literature in individuals affected with MBD5-related conditions. Advanced modeling of protein sequence and biophysical properties (such as structural, functional, and spatial information, amino acid conservation, physicochemical variation, residue mobility, and thermodynamic stability) performed at Invitae indicates that this missense variant is not expected to disrupt MBD5 protein function with a negative predictive value of 80%. In summary, the available evidence is currently insufficient to determine the role of this variant in disease. Therefore, it has been classified as a Variant of Uncertain Significance.

Neuberg Centre For Genomic Medicine, NCGM
Classification: Uncertain significance for Intellectual developmental disorder, autosomal dominant 1. Last evaluated: 2023-06-22. Review status: criteria provided, single submitter. Criteria: ACMG Guidelines, 2015. Collection method: clinical testing. Allele origin: germline. Inheritance: Autosomal dominant inheritance. Affected: yes.
Comment: The observed missense c.2377T>C (p.Cys793Arg) variant in MBD5 gene has not been previously reported as a pathogenic nor as a benign variant, to our knowledge. The p.Cys793Arg variant is absent in gnomAD exomes. This variant has not been submitted to the ClinVar database. Multiple lines of computational evidences (Polyphen - Pobably damaging, SIFT- Damaging, MutationTaster - Disease causing) predict a damaging effect on protein structure and function for this variant. The reference amino acid of p.Cys793Arg in MBD5 gene is predicted as conserved by GERP++ and PhyloP across 100 vertebrates. The amino acid Cys at position 793 is changed to a Arg changing protein sequence and it might alter its composition and physico-chemical properties. For these reasons, this variant has been classified as Variant of Uncertain Significance (VUS).

NM_001378120.1(MBD5):c.2377T>C (p.Cys793Arg)

Gene: MBD5 (methyl-CpG binding domain protein 5; plus strand). Cytogenetic location: 2q23.1.
Variant type: single nucleotide variant.
Coding change: c.2377T>C on transcript NM_001378120.1 (MANE Select); coding-DNA position 2377, T replaced by C.
Protein change: p.Cys793Arg; replaces cysteine 793 with arginine.
Molecular consequence: missense variant.
Genome position (GRCh38, 1-based): chr2:148,470,320, T>C. VCF-style: chr2-148470320-T-C. GRCh37 (hg19) VCF-style: chr2-149227889-T-C.
Other names: c.2377T>C, p.Cys793Arg (NM_018328.5); short protein forms C793R.
Identifiers: ClinVar variation 3691225 (VCV003691225.2).